The following is an entry in ClinVar:

ClinVar aggregate classification (germline): Uncertain significance (1 of 4 stars; one submission).

Allele frequency attached by ClinVar (database versions not stated): gnomAD exomes below 0.00001; TOPMed 0.00001.
gnomAD v4.1: 2 of 1,211,305 alleles (0.00017%); highest among the groups gnomAD compares: Admixed American, 0.0043%; no homozygotes.

Submission:

Labcorp Genetics (formerly Invitae), Labcorp
Classification: Uncertain significance. Last evaluated: 2025-03-19. Review status: criteria provided, single submitter. Criteria: Invitae Variant Classification Sherloc (09022015). Collection method: clinical testing. Allele origin: germline.
Comment: This sequence change replaces tyrosine, which is neutral and polar, with histidine, which is basic and polar, at codon 599 of the AMER1 protein (p.Tyr599His). This variant is present in population databases (no rsID available, gnomAD 0.008%). This variant has not been reported in the literature in individuals affected with AMER1-related conditions. ClinVar contains an entry for this variant (Variation ID: 1903496). An algorithm developed to predict the effect of missense changes on protein structure and function outputs the following: PolyPhen-2: "Benign". The histidine amino acid residue is found in multiple mammalian species, which suggests that this missense change does not adversely affect protein function. In summary, the available evidence is currently insufficient to determine the role of this variant in disease. Therefore, it has been classified as a Variant of Uncertain Significance.

NM_152424.4(AMER1):c.1795T>C (p.Tyr599His)

Gene: AMER1 (APC membrane recruitment protein 1; minus strand). Cytogenetic location: Xq11.2.
Variant type: single nucleotide variant.
Coding change: c.1795T>C on transcript NM_152424.4 (MANE Select); coding-DNA position 1795, T replaced by C.
Protein change: p.Tyr599His; replaces tyrosine 599 with histidine.
Molecular consequence: missense variant.
Genome position (GRCh38, 1-based): chrX:64,191,492, A>G on the plus strand (T>C on the coding strand, the complement: AMER1 is on the minus strand). VCF-style: chrX-64191492-A-G. GRCh37 (hg19) VCF-style: chrX-63411372-A-G.
Other names: short protein forms Y599H.
Identifiers: ClinVar variation 1903496 (VCV001903496.5), dbSNP rs1569191866, ClinGen allele CA413306379.
Genomic context (GRCh38, chrX:64,191,492, plus strand): 5'-GAGCTTCCCAAGTGTGGGCCTCCCTGGCATAGGCTTCCCTGCCATAAGCCTCTCGAGTAT[A>G]GGCCTCCCTGGCGTGGGCCTCCCTGGCATGAGCTTCTCGGGCACGTGCCTCCTGGGCCTC-3'
Protein context (NP_689637.3, residues 589-609): HAREAHAREA[Tyr599His]TREAYGREAY